The following is an entry in ClinVar:

ClinVar aggregate classification (germline): Conflicting classifications of pathogenicity. Review status: criteria provided, conflicting classifications (1 of 4 stars). 4 submissions from 4 submitters: Uncertain significance (1); Benign (1); Likely benign (2). Last evaluated 2026-08-24.

Conditions:
Nemaline myopathy 2 (NEM2). Also called: Nemaline myopathy 2, autosomal recessive. Identifiers: MedGen C1850569, MONDO:0009725, OMIM 256030.
NEB-related disorder. Also called: NEB-Related Disorders; NEB-related condition.

Allele frequency attached by ClinVar (database versions not stated): gnomAD 0.00003 and 0.00015; TOPMed 0.00005; 1000 Genomes Project 30x 0.00016; 1000 Genomes Project 0.00020; gnomAD exomes 0.00024 and 0.00043; ExAC 0.00043.
gnomAD v4.1: 366 of 1,613,980 alleles (0.023%); highest among the groups gnomAD compares: South Asian, 0.36%; 4 homozygotes.

Submissions (4):

PreventionGenetics, part of Exact Sciences
Classification: Likely benign for NEB-related condition. Last evaluated: 2026-08-24. Review status: criteria provided, single submitter. Criteria: ACMG Guidelines, 2015. Collection method: clinical testing. Allele origin: germline.
Comment: This variant is classified as likely benign based on ACMG/AMP sequence variant interpretation guidelines (Richards et al. 2015 PMID: 25741868, with internal and published modifications).

Labcorp Genetics (formerly Invitae), Labcorp
Classification: Benign for Nemaline myopathy 2. Last evaluated: 2026-01-25. Review status: criteria provided, single submitter. Criteria: Invitae Variant Classification Sherloc (09022015). Collection method: clinical testing. Allele origin: germline.

Blueprint Genetics
Classification: Likely benign. Last evaluated: 2024-04-20. Review status: criteria provided, single submitter. Criteria: ACMG Guidelines, 2015. Collection method: clinical testing. Allele origin: germline.

Illumina Laboratory Services, Illumina
Classification: Uncertain significance for Nemaline myopathy 2. Last evaluated: 2018-01-12. Review status: criteria provided, single submitter. Criteria: ICSL Variant Classification Criteria 13 December 2019. Collection method: clinical testing. Allele origin: germline.

NM_001164508.2(NEB):c.3399A>G (p.Thr1133=)

Gene: NEB (nebulin; minus strand). Cytogenetic location: 2q23.3.
Variant type: single nucleotide variant.
Coding change: c.3399A>G on transcript NM_001164508.2 (MANE Select); coding-DNA position 3399, A replaced by G.
Protein change: p.Thr1133=; no amino-acid change (threonine 1133 retained).
Molecular consequence: synonymous variant.
Genome position (GRCh38, 1-based): chr2:151,678,044, T>C on the plus strand (A>G on the coding strand, the complement: NEB is on the minus strand). VCF-style: chr2-151678044-T-C. GRCh37 (hg19) VCF-style: chr2-152534558-T-C.
Other names: c.3399A>G, p.Thr1133= (NM_001164507.2, NM_001271208.2, NM_004543.5).
Identifiers: ClinVar variation 331521 (VCV000331521.18), dbSNP rs543961404, ClinGen allele CA1910916.
Genomic context (GRCh38, chr2:151,678,044, plus strand): 5'-CTGGGCTTTCTTAGCCGCCACGACATTGAACATATCATGGGGCGTGTTGTATTTGGACTT[T>C]GTCTTCTCATAGTCTTTTTTATACTCCCGATCTGATTGTATCTTGGCCACGTTCATATAA-3'
Protein context (NP_001157980.2, residues 1123-1143): DREYKKDYEK[Thr1133=]KSKYNTPHDM